The following is an entry in ClinVar:

NM_001082486.2(ACD):c.685A>G (p.Ile229Val)

Gene: ACD (ACD shelterin complex subunit and telomerase recruitment factor; minus strand). Cytogenetic location: 16q22.1.
Variant type: single nucleotide variant.
Coding change: c.685A>G on transcript NM_001082486.2 (MANE Select); coding-DNA position 685, A replaced by G.
Protein change: p.Ile229Val; replaces isoleucine 229 with valine.
Molecular consequence: missense variant.
Genome position (GRCh38, 1-based): chr16:67,658,777, T>C on the plus strand (A>G on the coding strand, the complement: ACD is on the minus strand). VCF-style: chr16-67658777-T-C. GRCh37 (hg19) VCF-style: chr16-67692680-T-C.
Other names: c.685A>G, p.Ile229Val (NM_001410884.1); c.676A>G, p.Ile226Val (NM_022914.3); short protein forms I229V, I226V.
Identifiers: ClinVar variation 1766956 (VCV001766956.2), dbSNP rs1567640930, ClinGen allele CA396353614.
Genomic context (GRCh38, chr16:67,658,777, plus strand): 5'-TACCCTGTGTCCTCTGACAGGGGCCTAGAGAGCTCAGAATTAGCTGGTCATTCTCAGAGA[T>C]GCACAGCATTGAGCTGGGGACAGTGTACACAGCTTCTCCCTGTGGGACATGAACTCTGTA-3'
Protein context (NP_001075955.2, residues 219-239): VYTVPSSMLC[Ile229Val]SENDQLILSS

ClinVar aggregate classification (germline): Uncertain significance (1 of 4 stars; one submission).

Conditions:
Inborn genetic diseases. Identifiers: MedGen C0950123, MeSH D030342.

Submission:

Ambry Genetics
Classification: Uncertain significance for Inborn genetic diseases. Last evaluated: 2024-02-24. Review status: criteria provided, single submitter. Criteria: Ambry Variant Classification Scheme 2023. Collection method: clinical testing. Allele origin: germline.
Comment: The p.I315V variant (also known as c.943A>G), located in coding exon 8 of the ACD gene, results from an A to G substitution at nucleotide position 943. The isoleucine at codon 315 is replaced by valine, an amino acid with highly similar properties. This amino acid position is conserved. In addition, this alteration is predicted to be tolerated by in silico analysis. Since supporting evidence is limited at this time, the clinical significance of this alteration remains unclear.